The following is an entry in ClinVar:

NM_000218.3(KCNQ1):c.563G>A (p.Trp188Ter)

Gene: KCNQ1 (potassium voltage-gated channel subfamily Q member 1; plus strand). Cytogenetic location: 11p15.5.
Variant type: single nucleotide variant.
Coding change: c.563G>A on transcript NM_000218.3 (MANE Select); coding-DNA position 563, G replaced by A.
Protein change: p.Trp188Ter; replaces tryptophan 188 with a stop codon.
Molecular consequence: nonsense. On other transcripts: intron variant (1).
Genome position (GRCh38, 1-based): chr11:2,570,713, G>A. VCF-style: chr11-2570713-G-A. GRCh37 (hg19) VCF-style: chr11-2591943-G-A.
Other names: c.563G>A, p.Trp188Ter (NM_001406836.1); c.293G>A, p.Trp98Ter (NM_001406837.1); c.182G>A, p.Trp61Ter (NM_181798.2); c.478-12722G>A (NM_001406838.1); short protein forms W98*, W188*, W61*.
Identifiers: ClinVar variation 3693769 (VCV003693769.2).

ClinVar aggregate classification (germline): Pathogenic (1 of 4 stars; one submission).

Conditions:
Long QT syndrome (LQTS). Identifiers: MedGen C0023976, MeSH D008133, MONDO:0002442. Disease mechanism: loss of function. Inheritance: Various modes of inheritance.

Submission:

Labcorp Genetics (formerly Invitae), Labcorp
Classification: Pathogenic for Long QT syndrome. Last evaluated: 2024-02-19. Review status: criteria provided, single submitter. Criteria: Invitae Variant Classification Sherloc (09022015). Collection method: clinical testing. Allele origin: germline.
Comment: This sequence change creates a premature translational stop signal (p.Trp188*) in the KCNQ1 gene. It is expected to result in an absent or disrupted protein product. Loss-of-function variants in KCNQ1 are known to be pathogenic (PMID: 9323054, 19862833). This variant is not present in population databases (gnomAD no frequency). This variant has not been reported in the literature in individuals affected with KCNQ1-related conditions. For these reasons, this variant has been classified as Pathogenic.

Literature cited by the submitters: PubMed 9323054; PubMed 19862833.